The following is an entry in ClinVar:

NM_001365951.3(KIF1B):c.4883C>T (p.Thr1628Ile)

Gene: KIF1B (kinesin family member 1B; plus strand). Cytogenetic location: 1p36.22.
Variant type: single nucleotide variant.
Coding change: c.4883C>T on transcript NM_001365951.3 (MANE Select); coding-DNA position 4883, C replaced by T.
Protein change: p.Thr1628Ile; replaces threonine 1628 with isoleucine.
Molecular consequence: missense variant.
Genome position (GRCh38, 1-based): chr1:10,371,199, C>T. VCF-style: chr1-10371199-C-T. GRCh37 (hg19) VCF-style: chr1-10431257-C-T.
Other names: c.4883C>T, p.Thr1628Ile (NM_001365952.1); c.4745C>T, p.Thr1582Ile (NM_015074.3); short protein forms T1582I, T1628I.
Identifiers: ClinVar variation 1742795 (VCV001742795.2), dbSNP rs2521952025, ClinGen allele CA338327552.

ClinVar aggregate classification (germline): Uncertain significance (1 of 4 stars; one submission).

Allele frequency attached by ClinVar (database versions not stated): gnomAD exomes below 0.00001.
gnomAD v4.1: 2 of 1,614,100 alleles (0.00012%); highest among the groups gnomAD compares: South Asian, 0.0022%; no homozygotes.

Submission:

Ambry Genetics
Classification: Uncertain significance. Last evaluated: 2022-06-04. Review status: criteria provided, single submitter. Criteria: Ambry Variant Classification Scheme 2023. Collection method: clinical testing. Allele origin: germline.
Comment: The p.T1582I variant (also known as c.4745C>T), located in coding exon 42 of the KIF1B gene, results from a C to T substitution at nucleotide position 4745. The threonine at codon 1582 is replaced by isoleucine, an amino acid with similar properties. This amino acid position is conserved. In addition, this alteration is predicted to be tolerated by in silico analysis. Since supporting evidence is limited at this time, the clinical significance of this alteration remains unclear.